The following is an entry in ClinVar:

NM_000113.3(TOR1A):c.964G>A (p.Val322Met)

Gene: TOR1A (torsin family 1 member A; minus strand). Cytogenetic location: 9q34.11.
Variant type: single nucleotide variant.
Coding change: c.964G>A on transcript NM_000113.3 (MANE Select); coding-DNA position 964, G replaced by A.
Protein change: p.Val322Met; replaces valine 322 with methionine.
Molecular consequence: missense variant.
Genome position (GRCh38, 1-based): chr9:129,814,007, C>T on the plus strand (G>A on the coding strand, the complement: TOR1A is on the minus strand). VCF-style: chr9-129814007-C-T. GRCh37 (hg19) VCF-style: chr9-132576286-C-T.
Other names: short protein forms V322M.
Identifiers: ClinVar variation 2844772 (VCV002844772.3), dbSNP rs2030965160, ClinGen allele CA375197382.

ClinVar aggregate classification (germline): Uncertain significance (1 of 4 stars; one submission).

Conditions:
Dystonic disorder. Also called: Dystonia. Identifiers: MedGen C0013421, MONDO:0003441, HP:0001332.

Allele frequency attached by ClinVar (database versions not stated): gnomAD 0.00001.
gnomAD v4.1: 1 of 1,614,062 alleles (0.000062%); highest among the groups gnomAD compares: African/African-American, 0.0013%; no homozygotes.

Submission:

Labcorp Genetics (formerly Invitae), Labcorp
Classification: Uncertain significance for Dystonic disorder. Last evaluated: 2024-06-03. Review status: criteria provided, single submitter. Criteria: Invitae Variant Classification Sherloc (09022015). Collection method: clinical testing. Allele origin: germline.
Comment: This sequence change replaces valine, which is neutral and non-polar, with methionine, which is neutral and non-polar, at codon 322 of the TOR1A protein (p.Val322Met). This variant is not present in population databases (gnomAD no frequency). This variant has not been reported in the literature in individuals affected with TOR1A-related conditions. Advanced modeling of protein sequence and biophysical properties (such as structural, functional, and spatial information, amino acid conservation, physicochemical variation, residue mobility, and thermodynamic stability) performed at Invitae indicates that this missense variant is expected to disrupt TOR1A protein function with a positive predictive value of 80%. In summary, the available evidence is currently insufficient to determine the role of this variant in disease. Therefore, it has been classified as a Variant of Uncertain Significance.